The following is an entry in ClinVar:

NM_000135.4(FANCA):c.2539A>G (p.Lys847Glu)

Gene: FANCA (FA complementation group A; minus strand). Cytogenetic location: 16q24.3.
Variant type: single nucleotide variant.
Coding change: c.2539A>G on transcript NM_000135.4 (MANE Select); coding-DNA position 2539, A replaced by G.
Protein change: p.Lys847Glu; replaces lysine 847 with glutamic acid.
Molecular consequence: missense variant.
Genome position (GRCh38, 1-based): chr16:89,767,203, T>C on the plus strand (A>G on the coding strand, the complement: FANCA is on the minus strand). VCF-style: chr16-89767203-T-C. GRCh37 (hg19) VCF-style: chr16-89833611-T-C.
Other names: c.2539A>G, p.Lys847Glu (NM_001286167.3); short protein forms K847E.
Identifiers: ClinVar variation 4254357 (VCV004254357.1).

ClinVar aggregate classification (germline): Uncertain significance (1 of 4 stars; one submission).

Conditions:
Inborn genetic diseases. Identifiers: MedGen C0950123, MeSH D030342.

Submission:

Ambry Genetics
Classification: Uncertain significance for Inborn genetic diseases. Last evaluated: 2025-09-14. Review status: criteria provided, single submitter. Criteria: Ambry Variant Classification Scheme 2023. Collection method: clinical testing. Allele origin: germline.
Comment: The p.K847E variant (also known as c.2539A>G), located in coding exon 27 of the FANCA gene, results from an A to G substitution at nucleotide position 2539. The lysine at codon 847 is replaced by glutamic acid, an amino acid with similar properties. This amino acid position is conserved. In addition, the in silico prediction for this alteration is inconclusive. Based on the available evidence, the clinical significance of this variant remains unclear.